The following is an entry in ClinVar:

NM_000368.5(TSC1):c.325C>G (p.Gln109Glu)

Gene: TSC1 (TSC complex subunit 1; minus strand). Cytogenetic location: 9q34.13.
Variant type: single nucleotide variant.
Coding change: c.325C>G on transcript NM_000368.5 (MANE Select); coding-DNA position 325, C replaced by G.
Protein change: p.Gln109Glu; replaces glutamine 109 with glutamic acid.
Molecular consequence: missense variant. On other transcripts: 5 prime UTR variant (1), intron variant (1).
Genome position (GRCh38, 1-based): chr9:132,925,625, G>C on the plus strand (C>G on the coding strand, the complement: TSC1 is on the minus strand). VCF-style: chr9-132925625-G-C. GRCh37 (hg19) VCF-style: chr9-135801012-G-C.
Other names: c.325C>G, p.Gln109Glu (NM_001162426.2); c.-39C>G (NM_001362177.2); c.210+1576C>G (NM_001162427.2); short protein forms Q109E.
Identifiers: ClinVar variation 1021474 (VCV001021474.9), dbSNP rs397514774, ClinGen allele CA375374428.

ClinVar aggregate classification (germline): Uncertain significance. Review status: criteria provided, multiple submitters, no conflicts (2 of 4 stars). 2 submissions from 2 submitters: Uncertain significance (2). Last evaluated 2025-07-11.

Conditions:
Tuberous sclerosis 1 (TSC1). Identifiers: Orphanet 805, MedGen C1854465, MONDO:0008612, OMIM 191100.
Tuberous sclerosis syndrome (TSC). Also called: Tuberous Sclerosis Complex; Tuberous sclerosis. Identifiers: Orphanet 805, MedGen C0041341, MONDO:0001734.

Submissions (2):

Color Diagnostics, LLC DBA Color Health
Classification: Uncertain significance for Tuberous sclerosis syndrome. Last evaluated: 2025-07-11. Review status: criteria provided, single submitter. Criteria: ACMG Guidelines, 2015. Collection method: clinical testing. Allele origin: germline.
Comment: This missense variant replaces glutamine with glutamic acid at codon 109 of the TSC1 protein. Computational prediction suggests that this variant may not impact protein structure and function. To our knowledge, functional studies have not been reported for this variant. This variant has not been reported in individuals affected with TSC1-related disorders in the literature. This variant has not been identified in the general population by the Genome Aggregation Database (gnomAD). The available evidence is insufficient to determine the role of this variant in disease conclusively. Therefore, this variant is classified as a Variant of Uncertain Significance.

Labcorp Genetics (formerly Invitae), Labcorp
Classification: Uncertain significance for Tuberous sclerosis 1. Last evaluated: 2023-09-04. Review status: criteria provided, single submitter. Criteria: Invitae Variant Classification Sherloc (09022015). Collection method: clinical testing. Allele origin: germline.
Comment: This variant is not present in population databases (gnomAD no frequency). This sequence change replaces glutamine, which is neutral and polar, with glutamic acid, which is acidic and polar, at codon 109 of the TSC1 protein (p.Gln109Glu). This variant has not been reported in the literature in individuals affected with TSC1-related conditions. ClinVar contains an entry for this variant (Variation ID: 1021474). Advanced modeling of protein sequence and biophysical properties (such as structural, functional, and spatial information, amino acid conservation, physicochemical variation, residue mobility, and thermodynamic stability) performed at Invitae indicates that this missense variant is not expected to disrupt TSC1 protein function. In summary, the available evidence is currently insufficient to determine the role of this variant in disease. Therefore, it has been classified as a Variant of Uncertain Significance.